The following is an entry in ClinVar:

ClinVar aggregate classification (germline): Likely pathogenic (1 of 4 stars; one submission).

Conditions:
Cardiovascular phenotype. Identifiers: MedGen CN230736.

Submission:

Ambry Genetics
Classification: Likely pathogenic for Cardiovascular phenotype. Last evaluated: 2025-08-25. Review status: criteria provided, single submitter. Criteria: Ambry Variant Classification Scheme 2023. Collection method: clinical testing. Allele origin: germline.
Comment: The p.C36Y variant (also known as c.107G>A), located in coding exon 2 of the ACVRL1 gene, results from a G to A substitution at nucleotide position 107. The cysteine at codon 36 is replaced by tyrosine, an amino acid with highly dissimilar properties. This variant was reported in individual(s) with features consistent with hereditary hemorrhagic telangiectasia (HHT) (Fernandez-L A et al. Hum Mutat, 2006 Mar;27:295; Ambry internal data). Another variant at the same codon, p.C36R (c.106T>C), has been identified in individual(s) with features consistent with HHT ( McDonald J et al. Genet Med, 2020 Jul;22:1201-1205).This amino acid position is highly conserved in available vertebrate species. In addition, this alteration is predicted to be deleterious by in silico analysis. This variant is considered to be rare based on population cohorts in the Genome Aggregation Database (gnomAD). Based on the majority of available evidence to date, this variant is likely to be pathogenic.

Literature cited by the submitters: PubMed 16470589; PubMed 22028876.

NM_000020.3(ACVRL1):c.107G>A (p.Cys36Tyr)

Gene: ACVRL1 (activin A receptor like type 1; plus strand). Cytogenetic location: 12q13.13.
Variant type: single nucleotide variant.
Coding change: c.107G>A on transcript NM_000020.3 (MANE Select); coding-DNA position 107, G replaced by A.
Protein change: p.Cys36Tyr; replaces cysteine 36 with tyrosine.
Molecular consequence: missense variant.
Genome position (GRCh38, 1-based): chr12:51,913,144, G>A. VCF-style: chr12-51913144-G-A. GRCh37 (hg19) VCF-style: chr12-52306928-G-A.
Other names: c.107G>A, p.Cys36Tyr (NM_001077401.2, NM_001406487.1, NM_001406488.1 and 6 more transcripts); short protein forms C36Y.
Identifiers: ClinVar variation 1786073 (VCV001786073.3), dbSNP rs2540158303, ClinGen allele CA384897542.